The following is an entry in ClinVar:

NM_001110556.2(FLNA):c.7503C>T (p.Tyr2501=)

Gene: FLNA (filamin A; minus strand). Cytogenetic location: Xq28.
Variant type: single nucleotide variant.
Coding change: c.7503C>T on transcript NM_001110556.2 (MANE Select); coding-DNA position 7503, C replaced by T.
Protein change: p.Tyr2501=; no amino-acid change (tyrosine 2501 retained).
Molecular consequence: synonymous variant.
Genome position (GRCh38, 1-based): chrX:154,349,698, G>A on the plus strand (C>T on the coding strand, the complement: FLNA is on the minus strand). VCF-style: chrX-154349698-G-A. GRCh37 (hg19) VCF-style: chrX-153578066-G-A.
Other names: c.7503C>T (NM_001110556.1); c.7479C>T, p.Tyr2493= (NM_001456.4).
Identifiers: ClinVar variation 1759079 (VCV001759079.8), dbSNP rs2522713685, ClinGen allele CA519705912.
Genomic context (GRCh38, chrX:154,349,698, plus strand): 5'-CCCAGGCTCACCTGTGACTTTGGCCTTGAAGGGGCTGCCCCCAATGTGGTAGGGGCCGCC[G>A]TACTTGATGGAGATGAGGTAGCTGCCAGGTGCCATGGGGGTATAGGTGACGCGGTAGCCC-3'
Protein context (NP_001104026.1, residues 2491-2511): APGSYLISIK[Tyr2501=]GGPYHIGGSP

ClinVar aggregate classification (germline): Likely benign. Review status: criteria provided, multiple submitters, no conflicts (2 of 4 stars). 4 submissions from 4 submitters: Likely benign (3). 1 of the submissions does not count toward it. Last evaluated 2025-12-03.

Conditions:
Heterotopia, periventricular, X-linked dominant (PVNH1). Also called: PERIVENTRICULAR NODULAR HETEROTOPIA 1; X-linked periventricular heterotopia; PERIVENTRICULAR NODULAR HETEROTOPIA 4; HETEROTOPIA, PERIVENTRICULAR, 1. Identifiers: Orphanet 2149, Orphanet 82004, MedGen C1848213, MONDO:0010233, OMIM 300049.
Oto-palato-digital syndrome, type II (OPD2). Also called: FACIOPALATOOSSEOUS SYNDROME; OPD II SYNDROME; Otopalatodigital Syndrome, Type II; Otopalatodigital Syndrome Type 2 (FLNA-OPD2). Identifiers: Orphanet 669, Orphanet 90652, MedGen C1844696, MONDO:0010571, OMIM 304120.
Melnick-Needles syndrome (MNS). Also called: MELNICK-NEEDLES OSTEODYSPLASTY; OSTEODYSPLASTY OF MELNICK AND NEEDLES; Melnick-Needles Syndrome (FLNA-MNS). Identifiers: Orphanet 2484, MedGen C0025237, MONDO:0010650, OMIM 309350.
Frontometaphyseal dysplasia (FMD1). Identifiers: Orphanet 1826, MedGen C0265293, MONDO:0015942.
FLNA-related disorder.
Familial thoracic aortic aneurysm and aortic dissection (TAAD). Also called: Thoracic aortic aneurysms and dissections. Identifiers: Orphanet 91387, MedGen C4707243, MONDO:0019625.

Allele frequency attached by ClinVar (database versions not stated): gnomAD exomes 0.00001.
gnomAD v4.1: 8 of 1,211,956 alleles (0.00066%); highest among the groups gnomAD compares: Admixed American, 0.0022%; no homozygotes.

Submissions (4):

Labcorp Genetics (formerly Invitae), Labcorp
Classification: Likely benign for Oto-palato-digital syndrome, type II; Heterotopia, periventricular, X-linked dominant; Frontometaphyseal dysplasia; Melnick-Needles syndrome. Last evaluated: 2025-12-03. Review status: criteria provided, single submitter. Criteria: Invitae Variant Classification Sherloc (09022015). Collection method: clinical testing. Allele origin: germline.

Blueprint Genetics
Classification: Likely benign. Last evaluated: 2023-10-20. Review status: criteria provided, single submitter. Criteria: ACMG Guidelines, 2015. Collection method: clinical testing. Allele origin: germline.

Ambry Genetics
Classification: Likely benign for Familial thoracic aortic aneurysm and aortic dissection. Last evaluated: 2019-03-28. Review status: criteria provided, single submitter. Criteria: Ambry Variant Classification Scheme 2023. Collection method: clinical testing. Allele origin: germline.

PreventionGenetics, part of Exact Sciences
Classification: Likely benign for FLNA-related condition. Last evaluated: 2019-08-06. Review status: no assertion criteria provided. Collection method: clinical testing. Allele origin: germline. Not counted in ClinVar's aggregate classification.
Comment: This variant is classified as likely benign based on ACMG/AMP sequence variant interpretation guidelines (Richards et al. 2015 PMID: 25741868, with internal and published modifications).